The following is an entry in ClinVar:

NM_004360.5(CDH1):c.1320+5G>C

Gene: CDH1 (cadherin 1; plus strand). Cytogenetic location: 16q22.1.
Variant type: single nucleotide variant.
Coding change: c.1320+5G>C on transcript NM_004360.5 (MANE Select); 5 bases into the intron after coding-DNA position 1320, G replaced by C.
Molecular consequence: intron variant. On other transcripts: 5 prime UTR variant (1).
Genome position (GRCh38, 1-based): chr16:68,813,500, G>C. VCF-style: chr16-68813500-G-C. GRCh37 (hg19) VCF-style: chr16-68847403-G-C.
Other names: c.1320+5G>C (LRG_301t1); c.-291G>C (NM_001317185.2); c.-500+5G>C (NM_001317186.2); c.1137+1237G>C (NM_001317184.2).
Identifiers: ClinVar variation 574116 (VCV000574116.7), dbSNP rs1567508007, ClinGen allele CA396461993.

ClinVar aggregate classification (germline): Uncertain significance (1 of 4 stars; one submission).

Conditions:
Hereditary diffuse gastric adenocarcinoma (HDGC). Also called: DIFFUSE GASTRIC AND LOBULAR BREAST CANCER SYNDROME. Identifiers: Orphanet 26106, MedGen C1708349, MONDO:0007648, OMIM 137215.

Submission:

Labcorp Genetics (formerly Invitae), Labcorp
Classification: Uncertain significance for Hereditary diffuse gastric adenocarcinoma. Last evaluated: 2018-05-29. Review status: criteria provided, single submitter. Criteria: Invitae Variant Classification Sherloc (09022015). Collection method: clinical testing. Allele origin: germline.
Comment: This sequence change falls in intron 9 of the CDH1 gene. It does not directly change the encoded amino acid sequence of the CDH1 protein, but it affects a nucleotide within the consensus splice site of the intron. This variant is not present in population databases (ExAC no frequency). This variant has not been reported in the literature in individuals with CDH1-related disease. Nucleotide substitutions within the consensus splice site are a relatively common cause of aberrant splicing (PMID: 17576681, 9536098). Algorithms developed to predict the effect of sequence changes on RNA splicing suggest that this variant may disrupt the consensus splice site, but this prediction has not been confirmed by published transcriptional studies. In summary, the available evidence is currently insufficient to determine the role of this variant in disease. Therefore, it has been classified as a Variant of Uncertain Significance.

Literature cited by the submitters: PubMed 17576681; PubMed 9536098.